The following is an entry in ClinVar:

NM_015072.5(TTLL5):c.1426A>G (p.Asn476Asp)

Gene: TTLL5 (tubulin tyrosine ligase like 5; plus strand). Cytogenetic location: 14q24.3.
Variant type: single nucleotide variant.
Coding change: c.1426A>G on transcript NM_015072.5 (MANE Select); coding-DNA position 1426, A replaced by G.
Protein change: p.Asn476Asp; replaces asparagine 476 with aspartic acid.
Molecular consequence: missense variant.
Genome position (GRCh38, 1-based): chr14:75,745,520, A>G. VCF-style: chr14-75745520-A-G. GRCh37 (hg19) VCF-style: chr14-76211863-A-G.
Other names: c.1426A>G (NM_015072.4); short protein forms N476D.
Identifiers: ClinVar variation 1012076 (VCV001012076.9), dbSNP rs1344318163, ClinGen allele CA390465644.
Genomic context (GRCh38, chr14:75,745,520, plus strand): 5'-GGTACTCATTTTATCTTATTTTTCATCTAGATCAAAGTTTTACGAAGGGTGAAGGAGGAG[A>G]ATGATCGGCGAGGTGGATTTATTCGCATATTTCCTACATCTGAGACATGGGAAATATATG-3'
Protein context (NP_055887.3, residues 466-486): IKVLRRVKEE[Asn476Asp]DRRGGFIRIF

ClinVar aggregate classification (germline): Uncertain significance. Review status: criteria provided, multiple submitters, no conflicts (2 of 4 stars). 2 submissions from 2 submitters: Uncertain significance (2). Last evaluated 2024-12-06.

Conditions:
Inborn genetic diseases. Identifiers: MedGen C0950123, MeSH D030342.

Allele frequency attached by ClinVar (database versions not stated): gnomAD exomes below 0.00001; gnomAD 0.00001; TOPMed 0.00001.
gnomAD v4.1: 3 of 1,613,768 alleles (0.00019%); highest among the groups gnomAD compares: African/African-American, 0.004%; no homozygotes.

Submissions (2):

Ambry Genetics
Classification: Uncertain significance for Inborn genetic diseases. Last evaluated: 2024-12-06. Review status: criteria provided, single submitter. Criteria: Ambry Variant Classification Scheme 2023. Collection method: clinical testing. Allele origin: germline.

Labcorp Genetics (formerly Invitae), Labcorp
Classification: Uncertain significance. Last evaluated: 2024-10-15. Review status: criteria provided, single submitter. Criteria: Invitae Variant Classification Sherloc (09022015). Collection method: clinical testing. Allele origin: germline.
Comment: This sequence change replaces asparagine, which is neutral and polar, with aspartic acid, which is acidic and polar, at codon 476 of the TTLL5 protein (p.Asn476Asp). This variant is present in population databases (no rsID available, gnomAD 0.008%). This variant has not been reported in the literature in individuals affected with TTLL5-related conditions. ClinVar contains an entry for this variant (Variation ID: 1012076). Invitae Evidence Modeling of protein sequence and biophysical properties (such as structural, functional, and spatial information, amino acid conservation, physicochemical variation, residue mobility, and thermodynamic stability) indicates that this missense variant is not expected to disrupt TTLL5 protein function with a negative predictive value of 80%. In summary, the available evidence is currently insufficient to determine the role of this variant in disease. Therefore, it has been classified as a Variant of Uncertain Significance.